The following is an entry in ClinVar:

ClinVar aggregate classification (germline): Benign/Likely benign. Review status: criteria provided, multiple submitters, no conflicts (2 of 4 stars). 4 submissions from 4 submitters: Benign (3); Likely benign (1). Last evaluated 2024-11-19.

Conditions:
Noonan syndrome-like disorder with loose anagen hair 1 (NSLH1). Also called: TOSTI SYNDROME; MAZZANTI SYNDROME. Identifiers: Orphanet 2701, MedGen C4478716, MONDO:0054637, OMIM 607721.

Allele frequency attached by ClinVar (database versions not stated): TOPMed 0.00008; gnomAD 0.00013.
gnomAD v4.1: 98 of 1,587,040 alleles (0.0062%); highest among the groups gnomAD compares: Middle Eastern, 0.034%; no homozygotes.

Submissions (4):

Blueprint Genetics
Classification: Likely benign. Last evaluated: 2024-11-19. Review status: criteria provided, single submitter. Criteria: ACMG Guidelines, 2015. Collection method: clinical testing. Allele origin: germline.

Women's Health and Genetics/Laboratory Corporation of America, LabCorp
Classification: Benign. Last evaluated: 2021-04-26. Review status: criteria provided, single submitter. Criteria: LabCorp Variant Classification Summary - May 2015. Collection method: clinical testing. Allele origin: germline.
Comment: Variant summary: SHOC2 c.*16C>A is located in the untranslated mRNA region downstream of the termination codon. The variant allele was found at a frequency of 0.0001 in 250898 control chromosomes, predominantly at a frequency of 0.0006 within the East Asian subpopulation in the gnomAD database. The observed variant frequency within East Asian control individuals in the gnomAD database is approximately 24 fold of the estimated maximal expected allele frequency for a pathogenic variant in SHOC2 causing Noonan Syndrome with Loose Anagen Hair phenotype (2.5e-05), strongly suggesting that the variant is a benign polymorphism. To our knowledge, no occurrence of c.*16C>A in individuals affected with Noonan Syndrome with Loose Anagen Hair and no experimental evidence demonstrating its impact on protein function have been reported. Two clinical diagnostic laboratories have submitted clinical-significance assessments for this variant to ClinVar after 2014 without evidence for independent evaluation, and both of them classified the variant as benign. Based on the evidence outlined above, the variant was classified as benign.

Illumina Laboratory Services, Illumina
Classification: Benign for Noonan syndrome-like disorder with loose anagen hair 1. Last evaluated: 2018-01-13. Review status: criteria provided, single submitter. Criteria: ICSL Variant Classification Criteria 13 December 2019. Collection method: clinical testing. Allele origin: germline.
Comment: This variant was observed in the ICSL laboratory as part of a predisposition screen in an ostensibly healthy population. It had not been previously curated by ICSL or reported in the Human Gene Mutation Database (HGMD: prior to June 1st, 2018), and was therefore a candidate for classification through an automated scoring system. Utilizing variant allele frequency, disease prevalence and penetrance estimates, and inheritance mode, an automated score was calculated to assess if this variant is too frequent to cause the disease. Based on the score and internal cut-off values, a variant classified as benign is not then subjected to further curation. The score for this variant resulted in a classification of benign for this disease.

GeneDx
Classification: Benign. Last evaluated: 2015-05-21. Review status: criteria provided, single submitter. Criteria: GeneDx Variant Classification (06012015). Collection method: clinical testing. Allele origin: germline. Affected: yes.
Comment: This variant is considered likely benign or benign based on one or more of the following criteria: it is a conservative change, it occurs at a poorly conserved position in the protein, it is predicted to be benign by multiple in silico algorithms, and/or has population frequency not consistent with disease.

NM_007373.4(SHOC2):c.*16C>A

Gene: SHOC2 (SHOC2 leucine rich repeat scaffold protein; plus strand). Cytogenetic location: 10q25.2.
Variant type: single nucleotide variant.
Coding change: c.*16C>A on transcript NM_007373.4 (MANE Select); 16 bases downstream of the stop codon, C replaced by A.
Molecular consequence: 3 prime UTR variant. On other transcripts: non-coding transcript variant (1).
Genome position (GRCh38, 1-based): chr10:111,011,834, C>A. VCF-style: chr10-111011834-C-A. GRCh37 (hg19) VCF-style: chr10-112771592-C-A.
Other names: c.*16C>A (NM_001269039.3, NM_001324336.2, NM_001324337.2).
Identifiers: ClinVar variation 378581 (VCV000378581.7), dbSNP rs753327392, ClinGen allele CA5689835.